The following is an entry in ClinVar:

ClinVar aggregate classification (germline): Uncertain significance (1 of 4 stars; one submission).

Conditions:
T-B+ severe combined immunodeficiency due to JAK3 deficiency. Also called: SCID, T CELL-NEGATIVE, B CELL-POSITIVE, NK CELL-NEGATIVE; SCID, autosomal recessive, T-negative/B-positive type. Identifiers: Orphanet 35078, MedGen C1833275, MONDO:0010938, OMIM 600802.

Allele frequency attached by ClinVar (database versions not stated): gnomAD 0.00001; TOPMed 0.00001; gnomAD exomes 0.00003; ExAC 0.00005.

Submission:

Labcorp Genetics (formerly Invitae), Labcorp
Classification: Uncertain significance for T-B+ severe combined immunodeficiency due to JAK3 deficiency. Last evaluated: 2021-08-26. Review status: criteria provided, single submitter. Criteria: Invitae Variant Classification Sherloc (09022015). Collection method: clinical testing. Allele origin: germline.
Comment: This sequence change replaces proline with leucine at codon 247 of the JAK3 protein (p.Pro247Leu). The proline residue is moderately conserved and there is a moderate physicochemical difference between proline and leucine. This variant is present in population databases (rs761196525, ExAC 0.01%). This variant has not been reported in the literature in individuals affected with JAK3-related conditions. Advanced modeling of protein sequence and biophysical properties (such as structural, functional, and spatial information, amino acid conservation, physicochemical variation, residue mobility, and thermodynamic stability) performed at Invitae indicates that this missense variant is not expected to disrupt JAK3 protein function. In summary, the available evidence is currently insufficient to determine the role of this variant in disease. Therefore, it has been classified as a Variant of Uncertain Significance.

NM_000215.4(JAK3):c.740C>T (p.Pro247Leu)

Gene: JAK3 (Janus kinase 3; minus strand). Cytogenetic location: 19p13.11.
Variant type: single nucleotide variant.
Coding change: c.740C>T on transcript NM_000215.4 (MANE Select); coding-DNA position 740, C replaced by T.
Protein change: p.Pro247Leu; replaces proline 247 with leucine.
Molecular consequence: missense variant.
Genome position (GRCh38, 1-based): chr19:17,842,437, G>A on the plus strand (C>T on the coding strand, the complement: JAK3 is on the minus strand). VCF-style: chr19-17842437-G-A. GRCh37 (hg19) VCF-style: chr19-17953246-G-A.
Other names: short protein forms P247L.
Identifiers: ClinVar variation 1353056 (VCV001353056.5), dbSNP rs761196525, ClinGen allele CA9302098.